The following is an entry in ClinVar:

NM_000466.3(PEX1):c.340G>T (p.Asp114Tyr)

Gene: PEX1 (peroxisomal biogenesis factor 1; minus strand). Cytogenetic location: 7q21.2.
Variant type: single nucleotide variant.
Coding change: c.340G>T on transcript NM_000466.3 (MANE Select); coding-DNA position 340, G replaced by T.
Protein change: p.Asp114Tyr; replaces aspartic acid 114 with tyrosine.
Molecular consequence: missense variant. On other transcripts: 5 prime UTR variant (1).
Genome position (GRCh38, 1-based): chr7:92,519,012, C>A on the plus strand (G>T on the coding strand, the complement: PEX1 is on the minus strand). VCF-style: chr7-92519012-C-A. GRCh37 (hg19) VCF-style: chr7-92148326-C-A.
Other names: c.340G>T, p.Asp114Tyr (NM_001282677.2); c.-320G>T (NM_001282678.2); short protein forms D114Y.
Identifiers: ClinVar variation 1914104 (VCV001914104.5), dbSNP rs2484706868, ClinGen allele CA368202946.

ClinVar aggregate classification (germline): Uncertain significance (1 of 4 stars; one submission).

Conditions:
Zellweger spectrum disorders (ZS). Also called: Zellweger Spectrum Disorder; Zellweger Spectrum; Zellweger Spectrum Disorder (ZSD); Zellweger syndrome. Identifiers: Orphanet 912, MedGen C0043459, MONDO:0019609.

Submission:

Labcorp Genetics (formerly Invitae), Labcorp
Classification: Uncertain significance for Zellweger spectrum disorders. Last evaluated: 2024-04-22. Review status: criteria provided, single submitter. Criteria: Invitae Variant Classification Sherloc (09022015). Collection method: clinical testing. Allele origin: germline.
Comment: This sequence change replaces aspartic acid, which is acidic and polar, with tyrosine, which is neutral and polar, at codon 114 of the PEX1 protein (p.Asp114Tyr). This variant is not present in population databases (gnomAD no frequency). This variant has not been reported in the literature in individuals affected with PEX1-related conditions. ClinVar contains an entry for this variant (Variation ID: 1914104). Advanced modeling of protein sequence and biophysical properties (such as structural, functional, and spatial information, amino acid conservation, physicochemical variation, residue mobility, and thermodynamic stability) performed at Invitae indicates that this missense variant is expected to disrupt PEX1 protein function with a positive predictive value of 80%. In summary, the available evidence is currently insufficient to determine the role of this variant in disease. Therefore, it has been classified as a Variant of Uncertain Significance.